The following is an entry in ClinVar:

ClinVar aggregate classification (germline): Likely benign. Review status: reviewed by expert panel (3 of 4 stars). 3 submissions from 3 submitters: Likely benign (1). 2 of the submissions do not count toward it. Last evaluated 2025-01-15.

Conditions:
Hereditary thrombocytopenia and hematologic cancer predisposition syndrome. Identifiers: Orphanet 71290, MedGen CN281654, MONDO:0011071.
Hereditary thrombocytopenia and hematological cancer predisposition syndrome associated with RUNX1. Also called: Familial Platelet Disorder with Propensity to Acute Myelogenous Leukemia; Familial thrombocytopenia with propensity to acute myelogenous leukemia; PLATELET DISORDER, ASPIRIN-LIKE; RUNX1 Familial Platelet Disorder with Associated Myeloid Malignancies. Identifiers: Orphanet 71290, MedGen C1832388, MeSH C563324, MONDO:0100083, OMIM 601399.
Inborn genetic diseases. Identifiers: MedGen C0950123, MeSH D030342.

Submissions (3):

ClinGen Myeloid Malignancy Variant Curation Expert Panel
Classification: Likely benign for Hereditary thrombocytopenia and hematologic cancer predisposition syndrome. Last evaluated: 2025-01-15. Review status: reviewed by expert panel. Criteria: ClinGen MyeloMalig ACMG Specifications v2. Collection method: curation. Allele origin: germline. Inheritance: Autosomal dominant inheritance.
Comment: NM_001754.5(RUNX1):c.1274C>T (p.Pro425Leu) is a missense variant in which transactivation assays demonstrating normal transactivation (80-115% of wt) and data from a secondary DNA and CBFβ dimerization assay demonstrating normal binding and dimerization (BS3; PMID: 25840971). This missense variant has a REVEL score < 0.50 (0.485) and a SpliceAI score ≤ 0.20 (0.0) (BP4). This variant is completely absent from all population databases with at least 20x coverage for RUNX1 (PM2_Supporting). In summary, this variant meets criteria to be classified as likely benign. ACMG/AMP criteria applied, as specified by the Myeloid Malignancy Variant Curation Expert Panel for RUNX1: BS3, BP4, PM2_supporting.

Ambry Genetics
Classification: Uncertain significance for Inborn genetic diseases. Last evaluated: 2026-03-31. Review status: criteria provided, single submitter. Criteria: Ambry Variant Classification Scheme 2023. Collection method: clinical testing. Allele origin: germline. Not counted in ClinVar's aggregate classification.
Comment: The p.P425L variant (also known as c.1274C>T), located in coding exon 8 of the RUNX1 gene, results from a C to T substitution at nucleotide position 1274. The proline at codon 425 is replaced by leucine, an amino acid with similar properties. In one functional study, this variant retained approximately 75% of the transactivation activity of wild-type RUNX1 (Tsai SC et al. Clin Cancer Res, 2015 Aug;21:3541-51). This amino acid position is highly conserved in available vertebrate species. In addition, the in silico prediction for this alteration is inconclusive. Based on the available evidence, the clinical significance of this variant remains unclear.

Labcorp Genetics (formerly Invitae), Labcorp
Classification: Uncertain significance for Hereditary thrombocytopenia and hematological cancer predisposition syndrome associated with RUNX1. Last evaluated: 2025-02-02. Review status: criteria provided, single submitter. Criteria: Invitae Variant Classification Sherloc (09022015). Collection method: clinical testing. Allele origin: germline. Not counted in ClinVar's aggregate classification.
Comment: This sequence change replaces proline, which is neutral and non-polar, with leucine, which is neutral and non-polar, at codon 425 of the RUNX1 protein (p.Pro425Leu). This variant is not present in population databases (gnomAD no frequency). This variant has not been reported in the literature in individuals affected with RUNX1-related conditions. This variant is also known as Pro398Leu. ClinVar contains an entry for this variant (Variation ID: 1510069). Invitae Evidence Modeling of protein sequence and biophysical properties (such as structural, functional, and spatial information, amino acid conservation, physicochemical variation, residue mobility, and thermodynamic stability) has been performed for this missense variant. However, the output from this modeling did not meet the statistical confidence thresholds required to predict the impact of this variant on RUNX1 protein function. Experimental studies are conflicting or provide insufficient evidence to determine the effect of this variant on RUNX1 function (PMID: 25840971). In summary, the available evidence is currently insufficient to determine the role of this variant in disease. Therefore, it has been classified as a Variant of Uncertain Significance.

Literature cited by the submitters: PubMed 25840971 (cited by 3 submitters).

NM_001754.5(RUNX1):c.1274C>T (p.Pro425Leu)

Gene: RUNX1 (RUNX family transcription factor 1; minus strand). Cytogenetic location: 21q22.12.
Variant type: single nucleotide variant.
Coding change: c.1274C>T on transcript NM_001754.5 (MANE Select); coding-DNA position 1274, C replaced by T.
Protein change: p.Pro425Leu; replaces proline 425 with leucine.
Molecular consequence: missense variant.
Genome position (GRCh38, 1-based): chr21:34,792,304, G>A on the plus strand (C>T on the coding strand, the complement: RUNX1 is on the minus strand). VCF-style: chr21-34792304-G-A. GRCh37 (hg19) VCF-style: chr21-36164601-G-A.
Other names: NM_001754.5(RUNX1):c.1274C>T; p.Pro425Leu; c.1193C>T, p.Pro398Leu (NM_001001890.3); c.1274C>T (NM_001754.4); short protein forms P425L, P398L.
Identifiers: ClinVar variation 1510069 (VCV001510069.8), dbSNP rs2056451344, ClinGen allele CA410147541.
Genomic context (GRCh38, chr21:34,792,304, plus strand): 5'-CTGGGGTTGAGCAGCGCGGAGCCGGTGGAGGCGTTGGTGCAGGGCGGCAGGATGCGCGGC[G>A]GCGAGCGCTCGCCGCCCACCATGGAGAACTGGTAGGAGCCGGCCGAGGCGCCGTAGTACA-3'
Protein context (NP_001745.2, residues 415-435): QFSMVGGERS[Pro425Leu]PRILPPCTNA